The following is an entry in ClinVar:

ClinVar aggregate classification (germline): Uncertain significance. Review status: criteria provided, multiple submitters, no conflicts (2 of 4 stars). 3 submissions from 3 submitters: Uncertain significance (3). Last evaluated 2024-12-14.

Conditions:
Inborn genetic diseases. Identifiers: MedGen C0950123, MeSH D030342.

gnomAD v4.1: 25 of 1,614,114 alleles (0.0015%); highest among the groups gnomAD compares: East Asian, 0.0067%; no homozygotes.

Submissions (3):

GeneDx
Classification: Uncertain significance. Last evaluated: 2024-12-14. Review status: criteria provided, single submitter. Criteria: GeneDx Variant Classification Process June 2021. Collection method: clinical testing. Allele origin: germline. Affected: yes.
Comment: In silico analysis indicates that this missense variant does not alter protein structure/function; Has not been previously published as pathogenic or benign to our knowledge

Ambry Genetics
Classification: Uncertain significance for Inborn genetic diseases. Last evaluated: 2024-06-18. Review status: criteria provided, single submitter. Criteria: Ambry Variant Classification Scheme 2023. Collection method: clinical testing. Allele origin: germline.

Blueprint Genetics
Classification: Uncertain significance. Last evaluated: 2023-02-27. Review status: criteria provided, single submitter. Criteria: ACMG Guidelines, 2015. Collection method: clinical testing. Allele origin: germline.

NM_004525.3(LRP2):c.10907G>A (p.Arg3636Gln)

Gene: LRP2 (LDL receptor related protein 2; minus strand). Cytogenetic location: 2q31.1.
Variant type: single nucleotide variant.
Coding change: c.10907G>A on transcript NM_004525.3 (MANE Select); coding-DNA position 10907, G replaced by A.
Protein change: p.Arg3636Gln; replaces arginine 3636 with glutamine.
Molecular consequence: missense variant.
Genome position (GRCh38, 1-based): chr2:169,174,026, C>T on the plus strand (G>A on the coding strand, the complement: LRP2 is on the minus strand). VCF-style: chr2-169174026-C-T. GRCh37 (hg19) VCF-style: chr2-170030536-C-T.
Other names: short protein forms R3636Q.
Identifiers: ClinVar variation 3291414 (VCV003291414.3).